The following is an entry in ClinVar:

ClinVar aggregate classification (germline): Uncertain significance (1 of 4 stars; one submission).

Submission:

Ambry Genetics
Classification: Uncertain significance. Last evaluated: 2026-01-16. Review status: criteria provided, single submitter. Criteria: Ambry Variant Classification Scheme 2023. Collection method: clinical testing. Allele origin: germline.
Comment: The p.G126W variant (also known as c.376G>T), located in coding exon 1 of the TET2 gene, results from a G to T substitution at nucleotide position 376. The glycine at codon 126 is replaced by tryptophan, an amino acid with highly dissimilar properties. This amino acid position is conserved. In addition, this alteration is predicted to be tolerated by in silico analysis. Based on the available evidence, the clinical significance of this variant remains unclear.

NM_001127208.3(TET2):c.376G>T (p.Gly126Trp)

Genes: TET2 (tet methylcytosine dioxygenase 2; plus strand), TET2-AS1 (TET2 antisense RNA 1; minus strand). Cytogenetic location: 4q24.
Variant type: single nucleotide variant.
Coding change: c.376G>T on transcript NM_001127208.3 (MANE Select); coding-DNA position 376, G replaced by T.
Protein change: p.Gly126Trp; replaces glycine 126 with tryptophan.
Molecular consequence: missense variant.
Genome position (GRCh38, 1-based): chr4:105,234,318, G>T. VCF-style: chr4-105234318-G-T. GRCh37 (hg19) VCF-style: chr4-106155475-G-T.
Other names: c.376G>T, p.Gly126Trp (NM_017628.4); short protein forms G126W.
Identifiers: ClinVar variation 4824992 (VCV004824992.1).